The following is an entry in ClinVar:

ClinVar aggregate classification (germline): Likely benign (0 of 4 stars; one submission).

Conditions:
TRRAP-related disorder. Also called: TRRAP-related condition.

Submission:

PreventionGenetics, part of Exact Sciences
Classification: Likely benign for TRRAP-related condition. Last evaluated: 2021-01-27. Review status: no assertion criteria provided. Collection method: clinical testing. Allele origin: germline.
Comment: This variant is classified as likely benign based on ACMG/AMP sequence variant interpretation guidelines (Richards et al. 2015 PMID: 25741868, with internal and published modifications).

NM_001375524.1(TRRAP):c.1512T>G (p.Pro504=)

Gene: TRRAP (transformation/transcription domain associated protein; plus strand). Cytogenetic location: 7q22.1.
Variant type: single nucleotide variant.
Coding change: c.1512T>G on transcript NM_001375524.1 (MANE Select); coding-DNA position 1512, T replaced by G.
Protein change: p.Pro504=; no amino-acid change (proline 504 retained).
Molecular consequence: synonymous variant.
Genome position (GRCh38, 1-based): chr7:98,910,217, T>G. VCF-style: chr7-98910217-T-G. GRCh37 (hg19) VCF-style: chr7-98507840-T-G.
Other names: c.1512T>G, p.Pro504= (NM_001244580.2, NM_003496.4).
Identifiers: ClinVar variation 3038630 (VCV003038630.2), dbSNP rs1554408443, ClinGen allele CA456871315.